The following is an entry in ClinVar:

ClinVar aggregate classification (germline): Conflicting classifications of pathogenicity. Review status: criteria provided, conflicting classifications (1 of 4 stars). 22 submissions from 21 submitters: Uncertain significance (2); Benign (7); Likely benign (11). 2 of the submissions do not count toward it. Last evaluated 2026-08-01.

Conditions:
Polymicrogyria with or without vascular-type Ehlers-Danlos syndrome. Identifiers: Orphanet 636941, MedGen C5193040, MONDO:0032688, OMIM 618343.
Ehlers-Danlos syndrome, type 4 (EDSVASC). Also called: Ehlers-Danlos syndrome vascular type; Ehlers Danlos syndrome, ecchymotic type; Ehlers Danlos syndrome, arterial type; Ehlers Danlos syndrome, Sack-Barabas type; Ehlers-Danlos Syndrome Type IV. Identifiers: Orphanet 286, MedGen C0268338, MONDO:0017314, OMIM 130050.
Connective tissue disorder. Also called: Connective tissue disease. Identifiers: MedGen C0009782, MONDO:0003900.
Ehlers-Danlos syndrome (EDS). Identifiers: Orphanet 98249, MedGen C0013720, MONDO:0020066.
Familial thoracic aortic aneurysm and aortic dissection (TAAD). Also called: Thoracic aortic aneurysms and dissections. Identifiers: Orphanet 91387, MedGen C4707243, MONDO:0019625.

Allele frequency attached by ClinVar (database versions not stated): gnomAD 0.00078 and 0.00083; gnomAD exomes 0.00078 and 0.00160; ExAC 0.00080; TOPMed 0.00090; ESP Exome Variant Server 0.00177.
gnomAD v4.1: 2,426 of 1,614,080 alleles (0.15%); highest among the groups gnomAD compares: Non-Finnish European, 0.2%; 3 homozygotes.

Submissions 1 to 14 of 22:

CeGaT Center for Human Genetics Tuebingen
Classification: Likely benign. Last evaluated: 2026-08-01. Review status: criteria provided, single submitter. Criteria: CeGaT Center For Human Genetics Tuebingen Variant Classification Criteria Version 2. Collection method: clinical testing. Allele origin: germline. Affected: yes. Observed: 8 variant alleles.
Comment: COL3A1: BS2

Labcorp Genetics (formerly Invitae), Labcorp
Classification: Likely benign for Ehlers-Danlos syndrome, type 4. Last evaluated: 2026-01-30. Review status: criteria provided, single submitter. Criteria: Invitae Variant Classification Sherloc (09022015). Collection method: clinical testing. Allele origin: germline.

Molecular Diagnostic Laboratory for Inherited Cardiovascular Disease, Montreal Heart Institute
Classification: Likely benign. Last evaluated: 2025-07-24. Review status: criteria provided, single submitter. Criteria: ACMG Guidelines, 2015. Collection method: clinical testing. Allele origin: germline. Affected: no.
Comment: PP2, BS1, BP6

ARUP Laboratories, Molecular Genetics and Genomics, ARUP Laboratories
Classification: Benign. Last evaluated: 2024-11-20. Review status: criteria provided, single submitter. Criteria: ARUP Molecular Germline Variant Investigation Process 2024. Collection method: clinical testing. Allele origin: germline.

Blueprint Genetics
Classification: Likely benign. Last evaluated: 2024-11-19. Review status: criteria provided, single submitter. Criteria: ACMG Guidelines, 2015. Collection method: clinical testing. Allele origin: germline.

All of Us Research Program, National Institutes of Health
Classification: Likely benign for Ehlers-Danlos syndrome, type 4. Last evaluated: 2024-09-26. Review status: criteria provided, single submitter. Criteria: ACMG Guidelines, 2015. Collection method: clinical testing. Allele origin: germline. Inheritance: Autosomal dominant inheritance. Observed: 317 variant alleles, 317 heterozygotes.
Comment: This study involves interpretation of variants in research participants for the purpose of population health screening. Participant phenotype was not available at the time of variant classification. Additional details can be found in publication PMID: 35346344, PMCID: PMC8962531

Athena Diagnostics
Classification: Benign. Last evaluated: 2024-05-23. Review status: criteria provided, single submitter. Criteria: Athena Diagnostics Criteria. Collection method: clinical testing. Allele origin: unknown.

Mayo Clinic Laboratories, Mayo Clinic
Classification: Benign. Last evaluated: 2023-12-12. Review status: criteria provided, single submitter. Criteria: ACMG Guidelines, 2015. Collection method: clinical testing. Allele origin: germline. Observed: 10 variant alleles.
Comment: BS1, BS3, BS4

Genome Diagnostics Laboratory, The Hospital for Sick Children
Classification: Likely benign for Ehlers-Danlos syndrome. Last evaluated: 2022-02-25. Review status: criteria provided, single submitter. Criteria: ACMG Guidelines, 2015. Collection method: clinical testing. Allele origin: germline.

Ambry Genetics
Classification: Likely benign for Familial thoracic aortic aneurysm and aortic dissection. Last evaluated: 2022-02-11. Review status: criteria provided, single submitter. Criteria: Ambry Variant Classification Scheme 2023. Collection method: clinical testing. Allele origin: germline.

Women's Health and Genetics/Laboratory Corporation of America, LabCorp
Classification: Benign. Last evaluated: 2018-05-14. Review status: criteria provided, single submitter. Criteria: LabCorp Variant Classification Summary - May 2015. Collection method: clinical testing. Allele origin: germline.
Comment: Variant summary: COL3A1 c.3938A>G (p.Lys1313Arg) results in a conservative amino acid change located in the Fibrillar collagen, C-terminal of the encoded protein sequence. Four of five in-silico tools predict a damaging effect of the variant on protein function. The variant was observed with an allele frequency of 0.0008 in 277186 control chromosomes (gnomAD). The observed variant frequency within Non-Finnish European control individuals in the gnomAD database is approximately 1067-fold higher than the estimated maximal expected allele frequency for a pathogenic variant in COL3A1 causing Ehlers-Danlos Syndrome, Vascular Type phenotype (1.5e-06), strongly suggesting that the variant is a benign polymorphism found primarily in populations of Non-Finnish European origin. The variant, c.3938A>G, has been reported in the literature in individuals affected with Ehlers-Danlos Syndrome, Vascular Type. A publication, Stembridge_2015, cites the variant to occur in a patient and sister that did not present with features of vascular EDS, along with finding collagen and biochemistry to be normal. Multiple ClinVar submissions from clinical diagnostic laboratories (evaluation after 2014) cite the variant as "likely benign." Based on the evidence outlined above, the variant was classified as benign.

Color Diagnostics, LLC DBA Color Health
Classification: Likely benign for Familial thoracic aortic aneurysm and aortic dissection. Last evaluated: 2018-05-07. Review status: criteria provided, single submitter. Criteria: ACMG Guidelines, 2015. Collection method: clinical testing. Allele origin: germline.

University of Washington Department of Laboratory Medicine, University of Washington
Classification: Benign for Ehlers-Danlos syndrome. Last evaluated: 2018-04-01. Review status: criteria provided, single submitter. Criteria: Tsai GJ et al. (Genet Med 2018). Collection method: research. Allele origin: germline. Inheritance: Autosomal dominant inheritance. Clinical features observed: Joint hypermobility.
Comment: The COL3A1 variant designated as NM_000090.3:c.3938A>G (p.Lys1313Arg) is classified as likely benign. It is present in approximately 1/380 individuals of European non-Finnish ancestry. That is more common than any known aneurysm frequency, and as such, this variant can be excluded as a single cause for vascular Ehlers-Danlos syndrome. This high variant frequency may also explain reports of many previously tested individuals with vascular events who also have this variant. The crystal structure of the carboxyl-terminal propeptide of the proa1(III) chains encoded by COL3A1 has been well-defined. The COL3A1 p.Lys1313Arg variant is in the domain that directs chain-chain association. The residue is on an outward-facing region that does not participate in chain interaction and is predicted not to be involved in protein interaction (Stembridge et al, 2015 PMID:25846194). Wordsworth, Ogilvie, & Sykes (1991, PMID: 2049575) also looked at this region and found families in which the variant did not co-segregate with an aneurysm phenotype in the family, and the presence of the variant did not seem to exacerbate clinical symptoms. Stembridge et al (2015) described a family with the COL3A1 p. Lys1313Arg variant wherein the proband had a clinical appearance of Ehlers-Danlos syndrome, hypermobility type, and two relatives had a history of joint hypermobility. The association between the variant and the familyâ€™s phenotype of hypermobility was not defined. Patients with the COL3A1 p.Lys1313Arg variant who were tested at the UW Collagen Diagnostic Laboratory did not have clinical features that qualified them for a diagnosis of vascular Ehlers-Danlos syndrome, or had other variants associated with connective tissue disorders to account for their connective tissue phenotypes. The combined data provide weak evidence than the COL3A1 p.Lys1313Arg variant is likely benign in the context of vascular Ehlers-Danlos syndrome (Ehlers-Danlos syndrome type IV). Several reports have described varying features in families with COL3A1 heterozygous missense variants (Leistritz et al., 2011, PMID:21637106, Cortini et al., 2017 PMID:28183226). Thus clinical associations other than those described in the literature cannot be excluded. Bayesian analysis integrating all of this data (Tavtigian et al, 2018, PMID:29300386) gives a <0.1% probability of pathogenicity, which is consistent with a classification of benign. This analysis was performed in conjunction with the family studies project as part of the University of Washington Find My Variant Study.

CHEO Genetics Diagnostic Laboratory, Children's Hospital of Eastern Ontario
Classification: Benign for Familial thoracic aortic aneurysm and aortic dissection. Last evaluated: 2018-03-14. Review status: criteria provided, single submitter. Criteria: ACMG Guidelines, 2015. Collection method: clinical testing. Allele origin: germline.

NM_000090.4(COL3A1):c.3938A>G (p.Lys1313Arg)

Gene: COL3A1 (collagen type III alpha 1 chain; plus strand). Cytogenetic location: 2q32.2.
Variant type: single nucleotide variant.
Coding change: c.3938A>G on transcript NM_000090.4 (MANE Select); coding-DNA position 3938, A replaced by G.
Protein change: p.Lys1313Arg; replaces lysine 1313 with arginine.
Molecular consequence: missense variant.
Genome position (GRCh38, 1-based): chr2:189,010,292, A>G. VCF-style: chr2-189010292-A-G. GRCh37 (hg19) VCF-style: chr2-189875018-A-G.
Other names: p.K1313R:AAA>AGA; short protein forms K1313R.
Identifiers: ClinVar variation 161218 (VCV000161218.83), dbSNP rs111840783, ClinGen allele CA006759.
Genomic context (GRCh38, chr2:189,010,292, plus strand): 5'-TCTGTAATATGGAAACTGGGGAAACATGCATAAGTGCCAATCCTTTGAATGTTCCACGGA[A>G]ACACTGGTGGACAGATTCTAGTGCTGAGAAGAAACACGTTTGGTTTGGAGAGTCCATGGA-3'
Protein context (NP_000081.2, residues 1303-1323): ISANPLNVPR[Lys1313Arg]HWWTDSSAEK